The following is an entry in ClinVar:

NM_004380.3(CREBBP):c.5366A>C (p.Asn1789Thr)

Gene: CREBBP (CREB binding protein; minus strand). Cytogenetic location: 16p13.3.
Variant type: single nucleotide variant.
Coding change: c.5366A>C on transcript NM_004380.3 (MANE Select); coding-DNA position 5366, A replaced by C.
Protein change: p.Asn1789Thr; replaces asparagine 1789 with threonine.
Molecular consequence: missense variant.
Genome position (GRCh38, 1-based): chr16:3,729,681, T>G on the plus strand (A>C on the coding strand, the complement: CREBBP is on the minus strand). VCF-style: chr16-3729681-T-G. GRCh37 (hg19) VCF-style: chr16-3779682-T-G.
Other names: c.5252A>C, p.Asn1751Thr (NM_001079846.1); short protein forms N1789T, N1751T.
Identifiers: ClinVar variation 421180 (VCV000421180.2), dbSNP rs1064794963, ClinGen allele CA16620199.

ClinVar aggregate classification (germline): Likely pathogenic (1 of 4 stars; one submission).

Submission:

GeneDx
Classification: Likely pathogenic. Last evaluated: 2016-05-10. Review status: criteria provided, single submitter. Criteria: GeneDx Variant Classification (06012015). Collection method: clinical testing. Allele origin: germline. Affected: yes.
Comment: The N1789T variant in the CREBBP gene has not been reported previously as a pathogenic variant, nor as a benign variant, to our knowledge. This variant was not observed in approximately 6500 individuals of European and African American ancestry in the NHLBI Exome Sequencing Project, indicating it is not a common benign variant in these populations. The N1789T variant is a conservative amino acid substitution, which is not likely to impact secondary protein structure as these residues share similar properties. However, this substitution occurs at a position that is conserved across species, and in silico analysis predicts this variant is probably damaging to the protein structure/function. The N1789T variant is a strong candidate for a pathogenic variant, however the possibility it may be a rare benign variant cannot be excluded.